The following is an entry in ClinVar:

NM_000051.4(ATM):c.5918+1G>A

Genes: ATM (ATM serine/threonine kinase; plus strand), C11orf65 (chromosome 11 open reading frame 65; minus strand). Cytogenetic location: 11q22.3.
Variant type: single nucleotide variant.
Coding change: c.5918+1G>A on transcript NM_000051.4 (MANE Select); the canonical splice donor site of the intron after coding-DNA position 5918, G replaced by A.
Molecular consequence: splice donor variant. On other transcripts: intron variant (2).
Genome position (GRCh38, 1-based): chr11:108,310,316, G>A. VCF-style: chr11-108310316-G-A. GRCh37 (hg19) VCF-style: chr11-108181043-G-A.
Other names: c.5918+1G>A (NM_001351834.2); c.641-1245C>T (NM_001330368.2); c.*39-1245C>T (NM_001351110.2).
Identifiers: ClinVar variation 660802 (VCV000660802.14), dbSNP rs1591746871, ClinGen allele CA382548614.

ClinVar aggregate classification (germline): Likely pathogenic. Review status: criteria provided, multiple submitters, no conflicts (2 of 4 stars). 5 submissions from 5 submitters: Likely pathogenic (5). Last evaluated 2026-06-15.

Conditions:
Hereditary cancer-predisposing syndrome. Also called: Tumor predisposition; Hereditary neoplastic syndrome; Neoplastic Syndromes, Hereditary; Hereditary Cancer Syndrome. Identifiers: Orphanet 140162, MedGen C0027672, MeSH D009386, MONDO:0015356.
Familial cancer of breast. Also called: Hereditary breast cancer; BREAST CANCER, FAMILIAL; hereditary breast carcinoma. Identifiers: Orphanet 227535, MedGen C0346153, MONDO:0016419, OMIM 114480. Disease mechanism: loss of function.
Ataxia-telangiectasia syndrome (AT). Also called: Ataxia-telangiectasia, complementation group D; AT, COMPLEMENTATION GROUP C; ATAXIA-TELANGIECTASIA, COMPLEMENTATION GROUP A; ATAXIA-TELANGIECTASIA, FRESNO VARIANT; Ataxia-telangiectasia; LOUIS-BAR SYNDROME. Identifiers: Orphanet 100, MedGen C0004135, MONDO:0008840, OMIM 208900.
Malignant tumor of breast. Also called: Malignant breast neoplasm; Cancer breast. Identifiers: MedGen C0006142, MONDO:0007254. Disease mechanism: loss of function.

Allele frequency attached by ClinVar (database versions not stated): gnomAD exomes below 0.00001.
gnomAD v4.1: 2 of 1,612,292 alleles (0.00012%); highest among the groups gnomAD compares: Non-Finnish European, 0.00017%; no homozygotes.

Submissions (5):

Women's Health and Genetics/Laboratory Corporation of America, LabCorp
Classification: Likely pathogenic for Malignant tumor of breast. Last evaluated: 2026-06-15. Review status: criteria provided, single submitter. Criteria: LabCorp Variant Classification Summary - May 2015. Collection method: clinical testing. Allele origin: germline.
Comment: Variant summary: ATM c.5918+1G>A is located in a canonical splice-site and is predicted to affect mRNA splicing resulting in a significantly altered protein due to either exon skipping, shortening, or inclusion of intronic material. Variants that disrupt the consensus splice site are a relatively common cause of aberrant splicing and loss of ATM function. Several computational tools predict a significant impact on normal splicing: Three predict the variant abolishes a 5' splicing donor site. However, these predictions have yet to be confirmed by functional studies. The variant was absent in 250552 control chromosomes. c.5918+1G>A has been observed in an individual affected with metastatic castration-resistant prostate cancer (Raychaudhuri_2026). To our knowledge, no experimental evidence demonstrating an impact on protein function has been reported. The following publication has been ascertained in the context of this evaluation (PMID: 39920014). ClinVar contains an entry for this variant (Variation ID: 660802). Based on the evidence outlined above, the variant was classified as likely pathogenic.

Labcorp Genetics (formerly Invitae), Labcorp
Classification: Likely pathogenic for Ataxia-telangiectasia syndrome. Last evaluated: 2025-11-18. Review status: criteria provided, single submitter. Criteria: Invitae Variant Classification Sherloc (09022015). Collection method: clinical testing. Allele origin: germline.
Comment: This sequence change affects a donor splice site in intron 39 of the ATM gene. It is expected to disrupt RNA splicing. Variants that disrupt the donor or acceptor splice site typically lead to a loss of protein function (PMID: 16199547), and loss-of-function variants in ATM are known to be pathogenic (PMID: 23807571, 25614872). This variant is not present in population databases (gnomAD no frequency). This variant has not been reported in the literature in individuals affected with ATM-related conditions. ClinVar contains an entry for this variant (Variation ID: 660802). Algorithms developed to predict the effect of sequence changes on RNA splicing suggest that this variant may disrupt the consensus splice site. In summary, the currently available evidence indicates that the variant is pathogenic, but additional data are needed to prove that conclusively. Therefore, this variant has been classified as Likely Pathogenic.

Ambry Genetics
Classification: Likely pathogenic for Hereditary cancer-predisposing syndrome. Last evaluated: 2025-05-23. Review status: criteria provided, single submitter. Criteria: Ambry Variant Classification Scheme 2023. Collection method: clinical testing. Allele origin: germline.
Comment: The c.5918+1G>A intronic variant results from a G to A substitution one nucleotide after coding exon 38 of the ATM gene. This nucleotide position is highly conserved in available vertebrate species. In silico splice site analysis predicts that this alteration will weaken the native splice donor site. RNA studies have demonstrated that this alteration results in abnormal splicing in the set of samples tested (Ambry internal data). This variant is considered to be rare based on population cohorts in the Genome Aggregation Database (gnomAD). Alterations that disrupt the canonical splice site are expected to cause aberrant splicing, resulting in an abnormal protein or a transcript that is subject to nonsense-mediated mRNA decay. As such, this alteration is classified as likely pathogenic.

Myriad Genetics, Inc.
Classification: Likely pathogenic for Familial cancer of breast. Last evaluated: 2024-01-26. Review status: criteria provided, single submitter. Criteria: Myriad Autosomal Dominant, Autosomal Recessive and X-Linked Classification Criteria (2023). Collection method: clinical testing. Allele origin: unknown.
Comment: This variant is considered likely pathogenic. This variant occurs within a consensus splice junction and is predicted to result in abnormal mRNA splicing of either an out-of-frame exon or an in-frame exon necessary for protein stability and/or normal function.

GeneDx
Classification: Likely pathogenic. Last evaluated: 2023-10-30. Review status: criteria provided, single submitter. Criteria: GeneDx Variant Classification Process June 2021. Collection method: clinical testing. Allele origin: germline. Affected: yes.
Comment: Canonical splice site variant predicted to result in a null allele in a gene for which loss of function is a known mechanism of disease; Not observed at significant frequency in large population cohorts (gnomAD); Has not been previously published as pathogenic or benign to our knowledge; This variant is associated with the following publications: (PMID: Zhao2023[CaseReport])

Literature cited by the submitters: PubMed 39920014 (cited by Women's Health and Genetics/Laboratory Corporation of America, LabCorp); PubMed 16199547 (cited by Labcorp Genetics (formerly Invitae), Labcorp); PubMed 23807571 (cited by Labcorp Genetics (formerly Invitae), Labcorp); PubMed 25614872 (cited by Labcorp Genetics (formerly Invitae), Labcorp).